The following is an entry in ClinVar:

ClinVar aggregate classification (germline): Likely benign (0 of 4 stars; one submission).

Conditions:
MYO1E-related disorder. Also called: MYO1E-related condition.

Allele frequency attached by ClinVar (database versions not stated): gnomAD exomes 0.00001; ExAC 0.00002; gnomAD 0.00002.
gnomAD v4.1: 11 of 1,582,860 alleles (0.00069%); highest among the groups gnomAD compares: South Asian, 0.011%; no homozygotes.

Submission:

PreventionGenetics, part of Exact Sciences
Classification: Likely benign for MYO1E-related condition. Last evaluated: 2020-03-25. Review status: no assertion criteria provided. Collection method: clinical testing. Allele origin: germline.
Comment: This variant is classified as likely benign based on ACMG/AMP sequence variant interpretation guidelines (Richards et al. 2015 PMID: 25741868, with internal and published modifications).

NM_004998.4(MYO1E):c.1356C>T (p.Asn452=)

Gene: MYO1E (myosin IE; minus strand). Cytogenetic location: 15q22.2.
Variant type: single nucleotide variant.
Coding change: c.1356C>T on transcript NM_004998.4 (MANE Select); coding-DNA position 1356, C replaced by T.
Protein change: p.Asn452=; no amino-acid change (asparagine 452 retained).
Molecular consequence: synonymous variant.
Genome position (GRCh38, 1-based): chr15:59,210,520, G>A on the plus strand (C>T on the coding strand, the complement: MYO1E is on the minus strand). VCF-style: chr15-59210520-G-A. GRCh37 (hg19) VCF-style: chr15-59502719-G-A.
Identifiers: ClinVar variation 3055493 (VCV003055493.2), dbSNP rs760896263, ClinGen allele CA7589968.
Genomic context (GRCh38, chr15:59,210,520, plus strand): 5'-CTCACTTAATGTAAACCTGTGAGCAGTGAAAAGACATACTAAATGAACACTTACCACTTT[G>A]TTCTCTATGAGGTCACATACGATTTTATTATTAAAGTACTCAATGGGTGTCCATCTTATT-3'
Protein context (NP_004989.2, residues 442-462): NNKIVCDLIE[Asn452=]KVNPPGIMSI